The following is an entry in ClinVar:

ClinVar aggregate classification (germline): Likely benign (1 of 4 stars; one submission).

Conditions:
Cataract 15 multiple types. Also called: CATARACT 15, LAMELLAR WITH SUTURAL OPACITIES. Identifiers: Orphanet 91492, MedGen C3809001, MONDO:0014110, OMIM 615274.

Allele frequency attached by ClinVar (database versions not stated): TOPMed 0.00003; gnomAD 0.00002; ExAC 0.00002; gnomAD exomes 0.00002.
gnomAD v4.1: 47 of 1,579,280 alleles (0.003%); highest among the groups gnomAD compares: Non-Finnish European, 0.0036%; no homozygotes.

Submission:

Illumina Laboratory Services, Illumina
Classification: Likely benign for Cataract 15 multiple types. Last evaluated: 2018-01-13. Review status: criteria provided, single submitter. Criteria: ICSL Variant Classification Criteria 13 December 2019. Collection method: clinical testing. Allele origin: germline.
Comment: This variant was observed in the ICSL laboratory as part of a predisposition screen in an ostensibly healthy population. It had not been previously curated by ICSL or reported in the Human Gene Mutation Database (HGMD: prior to June 1st, 2018), and was therefore a candidate for classification through an automated scoring system. Utilizing variant allele frequency, disease prevalence and penetrance estimates, and inheritance mode, an automated score was calculated to assess if this variant is too frequent to cause the disease. Based on the score and internal cut-off values, a variant classified as likely benign is not then subjected to further curation. The score for this variant resulted in a classification of likely benign for this disease.

NM_012064.4(MIP):c.*49G>A

Gene: MIP (major intrinsic protein of lens fiber; minus strand). Cytogenetic location: 12q13.3.
Variant type: single nucleotide variant.
Coding change: c.*49G>A on transcript NM_012064.4 (MANE Select); 49 bases downstream of the stop codon, G replaced by A.
Molecular consequence: 3 prime UTR variant.
Genome position (GRCh38, 1-based): chr12:56,451,231, C>T on the plus strand (G>A on the coding strand, the complement: MIP is on the minus strand). VCF-style: chr12-56451231-C-T. GRCh37 (hg19) VCF-style: chr12-56845015-C-T.
Identifiers: ClinVar variation 883922 (VCV000883922.4), dbSNP rs746044208, ClinGen allele CA6632484.